The following is an entry in ClinVar:

ClinVar aggregate classification (germline): Likely benign (1 of 4 stars; one submission).

gnomAD v4.1: 38 of 1,613,886 alleles (0.0024%); highest among the groups gnomAD compares: Non-Finnish European, 0.003%; no homozygotes.

Submission:

CeGaT Center for Human Genetics Tuebingen
Classification: Likely benign. Last evaluated: 2025-09-01. Review status: criteria provided, single submitter. Criteria: CeGaT Center For Human Genetics Tuebingen Variant Classification Criteria Version 2. Collection method: clinical testing. Allele origin: germline. Affected: yes. Observed: 1 variant allele.
Comment: TRIM71: BS2

NM_001039111.3(TRIM71):c.1496A>G (p.Gln499Arg)

Gene: TRIM71 (tripartite motif containing 71; plus strand). Cytogenetic location: 3p22.3.
Variant type: single nucleotide variant.
Coding change: c.1496A>G on transcript NM_001039111.3 (MANE Select); coding-DNA position 1496, A replaced by G.
Protein change: p.Gln499Arg; replaces glutamine 499 with arginine.
Molecular consequence: missense variant.
Genome position (GRCh38, 1-based): chr3:32,890,700, A>G. VCF-style: chr3-32890700-A-G. GRCh37 (hg19) VCF-style: chr3-32932192-A-G.
Other names: short protein forms Q499R.
Identifiers: ClinVar variation 4281112 (VCV004281112.7).